The following is an entry in ClinVar:

ClinVar aggregate classification (germline): Uncertain significance (1 of 4 stars; one submission).

Allele frequency attached by ClinVar (database versions not stated): ExAC 0.00001; gnomAD exomes 0.00001.
gnomAD v4.1: 8 of 1,614,098 alleles (0.0005%); highest among the groups gnomAD compares: Non-Finnish European, 0.00068%; no homozygotes.

Submission:

Labcorp Genetics (formerly Invitae), Labcorp
Classification: Uncertain significance. Last evaluated: 2024-10-29. Review status: criteria provided, single submitter. Criteria: Invitae Variant Classification Sherloc (09022015). Collection method: clinical testing. Allele origin: germline.
Comment: This sequence change replaces proline, which is neutral and non-polar, with leucine, which is neutral and non-polar, at codon 130 of the PTH1R protein (p.Pro130Leu). This variant is present in population databases (rs199707422, gnomAD 0.002%). This variant has not been reported in the literature in individuals affected with PTH1R-related conditions. ClinVar contains an entry for this variant (Variation ID: 1935755). Invitae Evidence Modeling of protein sequence and biophysical properties (such as structural, functional, and spatial information, amino acid conservation, physicochemical variation, residue mobility, and thermodynamic stability) indicates that this missense variant is not expected to disrupt PTH1R protein function with a negative predictive value of 80%. In summary, the available evidence is currently insufficient to determine the role of this variant in disease. Therefore, it has been classified as a Variant of Uncertain Significance.

NM_000316.3(PTH1R):c.389C>T (p.Pro130Leu)

Genes: PTH1R (parathyroid hormone 1 receptor; plus strand), LOC129936652 (ATAC-STARR-seq lymphoblastoid silent region 14297; plus strand). Cytogenetic location: 3p21.31.
Variant type: single nucleotide variant.
Coding change: c.389C>T on transcript NM_000316.3 (MANE Select); coding-DNA position 389, C replaced by T.
Protein change: p.Pro130Leu; replaces proline 130 with leucine.
Molecular consequence: missense variant.
Genome position (GRCh38, 1-based): chr3:46,897,930, C>T. VCF-style: chr3-46897930-C-T. GRCh37 (hg19) VCF-style: chr3-46939420-C-T.
Other names: c.389C>T, p.Pro130Leu (NM_001184744.1); short protein forms P130L.
Identifiers: ClinVar variation 1935755 (VCV001935755.5), dbSNP rs199707422, ClinGen allele CA2359157.